The following is an entry in ClinVar:

ClinVar aggregate classification (germline): Pathogenic (0 of 4 stars; one submission).

Conditions:
COL3A1-related disorder. Also called: COL3A1-related condition.
Ehlers-Danlos syndrome, type 4 (EDSVASC). Also called: Ehlers-Danlos syndrome vascular type; Ehlers Danlos syndrome, ecchymotic type; Ehlers Danlos syndrome, arterial type; Ehlers Danlos syndrome, Sack-Barabas type; Ehlers-Danlos Syndrome Type IV. Identifiers: Orphanet 286, MedGen C0268338, MONDO:0017314, OMIM 130050.

Submission:

Collagen Diagnostic Laboratory, University of Washington
Classification: Pathogenic for Ehlers-Danlos syndrome, type 4. Review status: no assertion criteria provided. Collection method: clinical testing. Allele origin: germline. Affected: yes.

NM_000090.4(COL3A1):c.951+1G>A

Gene: COL3A1 (collagen type III alpha 1 chain; plus strand). Cytogenetic location: 2q32.2.
Variant type: single nucleotide variant.
Coding change: c.951+1G>A on transcript NM_000090.4 (MANE Select); the canonical splice donor site of the intron after coding-DNA position 951, G replaced by A.
Molecular consequence: splice donor variant.
Genome position (GRCh38, 1-based): chr2:188,991,723, G>A. VCF-style: chr2-188991723-G-A. GRCh37 (hg19) VCF-style: chr2-189856449-G-A.
Identifiers: ClinVar variation 101391 (VCV000101391.4), dbSNP rs587779652, ClinGen allele CA007607.
Genomic context (GRCh38, chr2:188,991,723, plus strand): 5'-CTGTAGGGTCCAAGAGGGGCTCCTGGTGAGCGAGGACGGCCAGGACTTCCTGGGGCTGCA[G>A]TGAGTATAGCTGCTAACATCACACAATTACAACCCAAAGTGACAGATTTTTACAGCCTCA-3'